The following is an entry in ClinVar:

ClinVar aggregate classification (germline): Uncertain significance. Review status: criteria provided, multiple submitters, no conflicts (2 of 4 stars). 3 submissions from 3 submitters: Uncertain significance (3). Last evaluated 2025-02-07.

Allele frequency attached by ClinVar (database versions not stated): ExAC 0.00013; TOPMed 0.00016; gnomAD 0.00017 and 0.00018; ESP Exome Variant Server 0.00031.
gnomAD v4.1: 657 of 1,614,060 alleles (0.041%); highest among the groups gnomAD compares: Non-Finnish European, 0.05%; 1 homozygote.

Submissions (3):

Ambry Genetics
Classification: Uncertain significance. Last evaluated: 2025-02-07. Review status: criteria provided, single submitter. Criteria: Ambry Variant Classification Scheme 2023. Collection method: clinical testing. Allele origin: germline.

Labcorp Genetics (formerly Invitae), Labcorp
Classification: Uncertain significance. Last evaluated: 2024-12-05. Review status: criteria provided, single submitter. Criteria: Invitae Variant Classification Sherloc (09022015). Collection method: clinical testing. Allele origin: germline.
Comment: This sequence change replaces arginine, which is basic and polar, with histidine, which is basic and polar, at codon 213 of the NDUFAF1 protein (p.Arg213His). This variant is present in population databases (rs144437724, gnomAD 0.04%). This variant has not been reported in the literature in individuals affected with NDUFAF1-related conditions. ClinVar contains an entry for this variant (Variation ID: 1338884). Invitae Evidence Modeling of protein sequence and biophysical properties (such as structural, functional, and spatial information, amino acid conservation, physicochemical variation, residue mobility, and thermodynamic stability) indicates that this missense variant is expected to disrupt NDUFAF1 protein function with a positive predictive value of 80%. In summary, the available evidence is currently insufficient to determine the role of this variant in disease. Therefore, it has been classified as a Variant of Uncertain Significance.

GeneDx
Classification: Uncertain significance. Last evaluated: 2024-05-24. Review status: criteria provided, single submitter. Criteria: GeneDx Variant Classification Process June 2021. Collection method: clinical testing. Allele origin: germline. Affected: yes.
Comment: In silico analysis supports that this missense variant has a deleterious effect on protein structure/function; Has not been previously published as pathogenic or benign to our knowledge

NM_016013.4(NDUFAF1):c.638G>A (p.Arg213His)

Gene: NDUFAF1 (NADH:ubiquinone oxidoreductase complex assembly factor 1; minus strand). Cytogenetic location: 15q15.1.
Variant type: single nucleotide variant.
Coding change: c.638G>A on transcript NM_016013.4 (MANE Select); coding-DNA position 638, G replaced by A.
Protein change: p.Arg213His; replaces arginine 213 with histidine.
Molecular consequence: missense variant. On other transcripts: non-coding transcript variant (1).
Genome position (GRCh38, 1-based): chr15:41,394,980, C>T on the plus strand (G>A on the coding strand, the complement: NDUFAF1 is on the minus strand). VCF-style: chr15-41394980-C-T. GRCh37 (hg19) VCF-style: chr15-41687178-C-T.
Other names: short protein forms R213H.
Identifiers: ClinVar variation 1338884 (VCV001338884.13), dbSNP rs144437724, ClinGen allele CA7491289.
Genomic context (GRCh38, chr15:41,394,980, plus strand): 5'-GTCCTCTGGAAGAAATCTGTGTCCTCCTTGATATTCACCATCCAAGGCCGACCATCCCCA[C>T]GTACACGGAGATACAGAGTATTGAACTGGGACCAATCGTAAGACATCTTCCTCTCAAAAG-3'
Protein context (NP_057097.2, residues 203-223): SQFNTLYLRV[Arg213His]GDGRPWMVNI